The following is an entry in ClinVar:

NM_004415.4(DSP):c.7957G>A (p.Ala2653Thr)

Gene: DSP (desmoplakin; plus strand). Cytogenetic location: 6p24.3.
Variant type: single nucleotide variant.
Coding change: c.7957G>A on transcript NM_004415.4 (MANE Select); coding-DNA position 7957, G replaced by A.
Protein change: p.Ala2653Thr; replaces alanine 2653 with threonine.
Molecular consequence: missense variant.
Genome position (GRCh38, 1-based): chr6:7,585,219, G>A. VCF-style: chr6-7585219-G-A. GRCh37 (hg19) VCF-style: chr6-7585452-G-A.
Other names: c.6160G>A, p.Ala2054Thr (NM_001008844.3); c.6628G>A, p.Ala2210Thr (NM_001319034.2); short protein forms A2054T, A2210T, A2653T.
Identifiers: ClinVar variation 4789101 (VCV004789101.1).

ClinVar aggregate classification (germline): Uncertain significance (1 of 4 stars; one submission).

Conditions:
Arrhythmogenic right ventricular dysplasia 8 (ARVD8). Also called: Arrhythmogenic Right Ventricular Dysplasia/Cardiomyopathy 8; ARRHYTHMOGENIC RIGHT VENTRICULAR DYSPLASIA, FAMILIAL, 8; ARRHYTHMOGENIC RIGHT VENTRICULAR CARDIOMYOPATHY 8. Identifiers: MedGen C1843896, MONDO:0011831, OMIM 607450.
Arrhythmogenic cardiomyopathy with wooly hair and keratoderma. Also called: Arrhythmogenic cardiomyopathy with woolly hair and keratoderma; PALMOPLANTAR KERATODERMA WITH LEFT VENTRICULAR CARDIOMYOPATHY AND WOOLLY HAIR; Carvajal syndrome; Dilated cardiomyopathy with woolly hair and keratoderma. Identifiers: Orphanet 65282, MedGen C1854063, MONDO:0011581, OMIM 605676.

gnomAD v4.1: 1 of 1,614,134 alleles (0.000062%); highest among the groups gnomAD compares: Non-Finnish European, 0.000085%; no homozygotes.

Submission:

Labcorp Genetics (formerly Invitae), Labcorp
Classification: Uncertain significance for Arrhythmogenic cardiomyopathy with wooly hair and keratoderma; Arrhythmogenic right ventricular dysplasia 8. Last evaluated: 2025-04-08. Review status: criteria provided, single submitter. Criteria: Invitae Variant Classification Sherloc (09022015). Collection method: clinical testing. Allele origin: germline.
Comment: This sequence change replaces alanine, which is neutral and non-polar, with threonine, which is neutral and polar, at codon 2653 of the DSP protein (p.Ala2653Thr). This variant is not present in population databases (gnomAD no frequency). This variant has not been reported in the literature in individuals affected with DSP-related conditions. An algorithm developed to predict the effect of missense changes on protein structure and function (PolyPhen-2) suggests that this variant is likely to be disruptive. In summary, the available evidence is currently insufficient to determine the role of this variant in disease. Therefore, it has been classified as a Variant of Uncertain Significance.